The following is an entry in ClinVar:

ClinVar aggregate classification (germline): Uncertain significance (1 of 4 stars; one submission).

gnomAD v4.1: 1 of 1,601,238 alleles (0.000062%); no homozygotes.

Submission:

Labcorp Genetics (formerly Invitae), Labcorp
Classification: Uncertain significance. Last evaluated: 2022-08-20. Review status: criteria provided, single submitter. Criteria: Invitae Variant Classification Sherloc (09022015). Collection method: clinical testing. Allele origin: germline.
Comment: In summary, the available evidence is currently insufficient to determine the role of this variant in disease. Therefore, it has been classified as a Variant of Uncertain Significance. Algorithms developed to predict the effect of missense changes on protein structure and function are either unavailable or do not agree on the potential impact of this missense change (SIFT: "Tolerated"; PolyPhen-2: "Not Available"; Align-GVGD: "Class C0"). This variant has not been reported in the literature in individuals affected with ZCCHC8-related conditions. This variant is not present in population databases (gnomAD no frequency). This sequence change replaces tyrosine, which is neutral and polar, with histidine, which is basic and polar, at codon 402 of the ZCCHC8 protein (p.Tyr402His).

NM_017612.5(ZCCHC8):c.1204T>C (p.Tyr402His)

Gene: ZCCHC8 (zinc finger CCHC-type containing 8; minus strand). Cytogenetic location: 12q24.31.
Variant type: single nucleotide variant.
Coding change: c.1204T>C on transcript NM_017612.5 (MANE Select); coding-DNA position 1204, T replaced by C.
Protein change: p.Tyr402His; replaces tyrosine 402 with histidine.
Molecular consequence: missense variant.
Genome position (GRCh38, 1-based): chr12:122,478,229, A>G on the plus strand (T>C on the coding strand, the complement: ZCCHC8 is on the minus strand). VCF-style: chr12-122478229-A-G. GRCh37 (hg19) VCF-style: chr12-122962776-A-G.
Other names: c.973T>C, p.Tyr325His (NM_001350935.2); c.907T>C, p.Tyr303His (NM_001350936.2); c.490T>C, p.Tyr164His (NM_001350937.2, NM_001350938.2); short protein forms Y164H, Y303H, Y325H, Y402H.
Identifiers: ClinVar variation 1717134 (VCV001717134.5), dbSNP rs2547199128, ClinGen allele CA387051035.